The following is an entry in ClinVar:

NM_005751.5(AKAP9):c.10706G>T (p.Gly3569Val)

Gene: AKAP9 (A-kinase anchoring protein 9; plus strand). Cytogenetic location: 7q21.2.
Variant type: single nucleotide variant.
Coding change: c.10706G>T on transcript NM_005751.5 (MANE Select); coding-DNA position 10706, G replaced by T.
Protein change: p.Gly3569Val; replaces glycine 3569 with valine.
Molecular consequence: missense variant.
Genome position (GRCh38, 1-based): chr7:92,098,207, G>T. VCF-style: chr7-92098207-G-T. GRCh37 (hg19) VCF-style: chr7-91727521-G-T.
Other names: c.5351G>T, p.Gly1784Val (NM_001379277.1); c.10682G>T, p.Gly3561Val (NM_147185.3); short protein forms G1784V, G3561V, G3569V.
Identifiers: ClinVar variation 1783170 (VCV001783170.3), dbSNP rs754569380, ClinGen allele CA161897946.

ClinVar aggregate classification (germline): Uncertain significance. Review status: criteria provided, multiple submitters, no conflicts (2 of 4 stars). 2 submissions from 2 submitters: Uncertain significance (2). Last evaluated 2025-08-10.

Conditions:
Long QT syndrome (LQTS). Identifiers: MedGen C0023976, MeSH D008133, MONDO:0002442. Disease mechanism: loss of function. Inheritance: Various modes of inheritance.
Cardiovascular phenotype. Identifiers: MedGen CN230736.

gnomAD v4.1: 13 of 1,592,900 alleles (0.00082%); highest among the groups gnomAD compares: Non-Finnish European, 0.001%; no homozygotes.

Submissions (2):

Labcorp Genetics (formerly Invitae), Labcorp
Classification: Uncertain significance for Long QT syndrome. Last evaluated: 2025-08-10. Review status: criteria provided, single submitter. Criteria: Invitae Variant Classification Sherloc (09022015). Collection method: clinical testing. Allele origin: germline.
Comment: This sequence change replaces glycine, which is neutral and non-polar, with valine, which is neutral and non-polar, at codon 3569 of the AKAP9 protein (p.Gly3569Val). This variant is present in population databases (no rsID available, gnomAD 0.004%). This variant has not been reported in the literature in individuals affected with AKAP9-related conditions. ClinVar contains an entry for this variant (Variation ID: 1783170). An algorithm developed to predict the effect of missense changes on protein structure and function outputs the following: PolyPhen-2: "Benign". The valine amino acid residue is found in multiple mammalian species, which suggests that this missense change does not adversely affect protein function. In summary, the available evidence is currently insufficient to determine the role of this variant in disease. Therefore, it has been classified as a Variant of Uncertain Significance.

Ambry Genetics
Classification: Uncertain significance for Cardiovascular phenotype. Last evaluated: 2020-11-20. Review status: criteria provided, single submitter. Criteria: Ambry Variant Classification Scheme 2023. Collection method: clinical testing. Allele origin: germline.
Comment: The p.G3569V variant (also known as c.10706G>T), located in coding exon 43 of the AKAP9 gene, results from a G to T substitution at nucleotide position 10706. The glycine at codon 3569 is replaced by valine, an amino acid with dissimilar properties. This amino acid position is not well conserved in available vertebrate species, and valine is the reference amino acid in other vertebrate species. In addition, this alteration is predicted to be tolerated by in silico analysis. Since supporting evidence is limited at this time, the clinical significance of this alteration remains unclear.